The following is an entry in ClinVar:

NM_000038.6(APC):c.6446_6448del (p.His2149del)

Gene: APC (APC regulator of Wnt signaling pathway; plus strand). Cytogenetic location: 5q22.2.
Variant type: Deletion.
Coding change: c.6446_6448del on transcript NM_000038.6 (MANE Select); coding-DNA positions 6446 to 6448, 3 bases deleted (ATC; older notation c.6446_6448delATC).
Protein change: p.His2149del; deletes histidine 2149.
Molecular consequence: non-coding transcript variant (on NR_176365.1).
Genome position (GRCh38, 1-based): chr5:112,842,040-112,842,042, ATC deleted; deleting any 3 consecutive bases within chr5:112,842,038-112,842,042 gives the same sequence; the c. name uses the placement nearest the transcript's 3' end. VCF-style (leftmost placement, unchanged base first): chr5-112842037-TTCA-T. GRCh37 (hg19) VCF-style: chr5-112177734-TTCA-T.
Other names: c.6446_6448del, p.His2149del (NM_001127510.3, NM_001354895.2, NM_001407450.1); c.6392_6394del, p.His2131del (NM_001127511.3); c.6500_6502del, p.His2167del (NM_001354896.2, NM_001407447.1, NM_001407448.1 and 1 more transcripts); c.6476_6478del, p.His2159del (NM_001354897.2); c.6371_6373del, p.His2124del (NM_001354898.2); c.6362_6364del, p.His2121del (NM_001354899.2); c.6323_6325del, p.His2108del (NM_001354900.2); c.6269_6271del, p.His2090del (NM_001354901.2, NM_001407453.1); and 11 more; short protein forms H2023del, H2058del, H2090del, H2131del, H2139del, H2142del, H2048del, H2020del.
Identifiers: ClinVar variation 3929385 (VCV003929385.1).
Genomic context (GRCh38, chr5:112,842,037, plus strand): 5'-CTTCGTCTGATTCAGATTCCATCCTTTCCCTGAAATCAGGAATCTCTCTGGGATCACCAT[TTCA>T]TCTTACACCTGATCAAGAAGAAAAACCCTTTACAAGTAATAAAGGCCCACGAATTCTAAA-3'

ClinVar aggregate classification (germline): Uncertain significance (1 of 4 stars; one submission).

Conditions:
Hereditary cancer-predisposing syndrome. Also called: Hereditary Cancer Syndrome; Hereditary neoplastic syndrome; Neoplastic Syndromes, Hereditary; Tumor predisposition. Identifiers: Orphanet 140162, MedGen C0027672, MeSH D009386, MONDO:0015356.

Submission:

Ambry Genetics
Classification: Uncertain significance for Hereditary cancer-predisposing syndrome. Last evaluated: 2025-06-05. Review status: criteria provided, single submitter. Criteria: Ambry Variant Classification Scheme 2023. Collection method: clinical testing. Allele origin: germline.
Comment: The c.6446_6448delATC variant (also known as p.H2149del) is located in coding exon 15 of the APC gene. This variant results from an in-frame ATC deletion at nucleotide positions 6446 to 6448. This results in the in-frame deletion of a histidine at codon 2149. This amino acid position is well conserved in available vertebrate species. In addition, the in silico prediction for this variant is inconclusive (Choi Y et al. PLoS ONE. 2012; 7(10):e46688). Based on the available evidence, the clinical significance of this variant remains unclear.